The following is an entry in ClinVar:

NM_006227.4(PLTP):c.725C>A (p.Thr242Asn)

Gene: PLTP (phospholipid transfer protein; minus strand). Cytogenetic location: 20q13.12.
Variant type: single nucleotide variant.
Coding change: c.725C>A on transcript NM_006227.4 (MANE Select); coding-DNA position 725, C replaced by A.
Protein change: p.Thr242Asn; replaces threonine 242 with asparagine.
Molecular consequence: missense variant.
Genome position (GRCh38, 1-based): chr20:45,905,099, G>T on the plus strand (C>A on the coding strand, the complement: PLTP is on the minus strand). VCF-style: chr20-45905099-G-T. GRCh37 (hg19) VCF-style: chr20-44533738-G-T.
Other names: c.440C>A, p.Thr147Asn (NM_001242920.2); c.461C>A, p.Thr154Asn (NM_001242921.1); c.569C>A, p.Thr190Asn (NM_182676.3); short protein forms T147N, T154N, T190N, T242N.
Identifiers: ClinVar variation 3019810 (VCV003019810.3), dbSNP rs1353540801, ClinGen allele CA409194645.

ClinVar aggregate classification (germline): Uncertain significance (1 of 4 stars; one submission).

Allele frequency attached by ClinVar (database versions not stated): gnomAD 0.00002; TOPMed 0.00002.
gnomAD v4.1: 13 of 1,614,042 alleles (0.00081%); highest among the groups gnomAD compares: Non-Finnish European, 0.001%; no homozygotes.

Submission:

Labcorp Genetics (formerly Invitae), Labcorp
Classification: Uncertain significance. Last evaluated: 2023-10-23. Review status: criteria provided, single submitter. Criteria: Invitae Variant Classification Sherloc (09022015). Collection method: clinical testing. Allele origin: germline.
Comment: This sequence change replaces threonine, which is neutral and polar, with asparagine, which is neutral and polar, at codon 242 of the PLTP protein (p.Thr242Asn). This variant is present in population databases (no rsID available, gnomAD 0.002%). This variant has not been reported in the literature in individuals affected with PLTP-related conditions. An algorithm developed to predict the effect of missense changes on protein structure and function (PolyPhen-2) suggests that this variant is likely to be tolerated. In summary, the available evidence is currently insufficient to determine the role of this variant in disease. Therefore, it has been classified as a Variant of Uncertain Significance.